The following is an entry in ClinVar:

NM_016111.4(TELO2):c.1653+6T>C

Gene: TELO2 (telomere maintenance 2; plus strand). Cytogenetic location: 16p13.3.
Variant type: single nucleotide variant.
Coding change: c.1653+6T>C on transcript NM_016111.4 (MANE Select); 6 bases into the intron after coding-DNA position 1653, T replaced by C.
Molecular consequence: intron variant.
Genome position (GRCh38, 1-based): chr16:1,502,410, T>C. VCF-style: chr16-1502410-T-C. GRCh37 (hg19) VCF-style: chr16-1552411-T-C.
Other names: c.1653+6T>C (NM_001351846.2).
Identifiers: ClinVar variation 2090117 (VCV002090117.4), dbSNP rs2039724143, ClinGen allele CA2580090470.

ClinVar aggregate classification (germline): Uncertain significance (1 of 4 stars; one submission).

Submission:

Labcorp Genetics (formerly Invitae), Labcorp
Classification: Uncertain significance. Last evaluated: 2025-01-06. Review status: criteria provided, single submitter. Criteria: Invitae Variant Classification Sherloc (09022015). Collection method: clinical testing. Allele origin: germline.
Comment: This sequence change falls in intron 13 of the TELO2 gene. It does not directly change the encoded amino acid sequence of the TELO2 protein. It affects a nucleotide within the consensus splice site. This variant is not present in population databases (gnomAD no frequency). This variant has not been reported in the literature in individuals affected with TELO2-related conditions. ClinVar contains an entry for this variant (Variation ID: 2090117). Variants that disrupt the consensus splice site are a relatively common cause of aberrant splicing (PMID: 17576681, 9536098). Algorithms developed to predict the effect of sequence changes on RNA splicing suggest that this variant is not likely to affect RNA splicing. In summary, the available evidence is currently insufficient to determine the role of this variant in disease. Therefore, it has been classified as a Variant of Uncertain Significance.

Literature cited by the submitters: PubMed 17576681; PubMed 9536098.